The following is an entry in ClinVar:

NC_000010.10:g.(?_102747968)_(103535657_?)dup

Genes: BTRC (beta-transducin repeat containing E3 ubiquitin protein ligase; plus strand), DPCD (deleted in primary ciliary dyskinesia homolog (mouse); plus strand), FBXW4 (F-box and WD repeat domain containing 4; minus strand), FGF8 (fibroblast growth factor 8; minus strand), KAZALD1 (Kazal type serine peptidase inhibitor domain 1; plus strand) and 8 more. Cytogenetic location: 10q24.31-24.32.
Variant type: Duplication.
Identifiers: ClinVar variation 2423956 (VCV002423956.4).

ClinVar aggregate classification (germline): Uncertain significance (1 of 4 stars; one submission).

Submission:

Labcorp Genetics (formerly Invitae), Labcorp
Classification: Uncertain significance. Last evaluated: 2022-07-05. Review status: criteria provided, single submitter. Criteria: Invitae Variant Classification Sherloc (09022015). Collection method: clinical testing. Allele origin: germline.
Comment: In summary, the available evidence is currently insufficient to determine the role of this variant in disease. Therefore, it has been classified as a Variant of Uncertain Significance. This variant has not been reported in the literature in individuals affected with PDZD7-related conditions. A copy number gain of the genomic region encompassing the full coding sequence of the PDZD7 gene has been identified. The boundaries of this event are unknown as they extend beyond the assayed region for this gene and therefore may encompass additional genes. As the precise location of this event is unknown, it may be in tandem or it may be located elsewhere in the genome.